The following is an entry in ClinVar:

NM_001365088.1(SLC12A6):c.655C>T (p.Gln219Ter)

Genes: SLC12A6 (solute carrier family 12 member 6; minus strand), LOC129390683 (MPRA-validated peak2292 silencer; plus strand). Cytogenetic location: 15q14.
Variant type: single nucleotide variant.
Coding change: c.655C>T on transcript NM_001365088.1 (MANE Select); coding-DNA position 655, C replaced by T.
Protein change: p.Gln219Ter; replaces glutamine 219 with a stop codon.
Molecular consequence: nonsense.
Genome position (GRCh38, 1-based): chr15:34,257,677, G>A on the plus strand (C>T on the coding strand, the complement: SLC12A6 is on the minus strand). VCF-style: chr15-34257677-G-A. GRCh37 (hg19) VCF-style: chr15-34549878-G-A.
Other names: c.610C>T, p.Gln204Ter (NM_001042497.2); c.502C>T, p.Gln168Ter (NM_005135.2); c.655C>T, p.Gln219Ter (NM_133647.2); c.478C>T, p.Gln160Ter (NM_001042494.2, NM_001042495.2); c.628C>T, p.Gln210Ter (NM_001042496.2); short protein forms Q168*, Q219*, Q204*, Q160*, Q210*.
Identifiers: ClinVar variation 370396 (VCV000370396.6), dbSNP rs1057516456, ClinGen allele CA16041724.

ClinVar aggregate classification (germline): Pathogenic/Likely pathogenic. Review status: criteria provided, multiple submitters, no conflicts (2 of 4 stars). 3 submissions from 3 submitters: Pathogenic (1); Likely pathogenic (1). 1 of the submissions does not count toward it. Last evaluated 2024-05-07.

Conditions:
Agenesis of the corpus callosum with peripheral neuropathy (ACCPN). Also called: Hereditary Motor and Sensory Neuropathy with Agenesis of the Corpus Callosum; POLYNEUROPATHY, SENSORIMOTOR, WITH OR WITHOUT AGENESIS OF THE CORPUS CALLOSUM; HMSN/ACC; CHARLEVOIX DISEASE. Identifiers: Orphanet 1496, MedGen C0795950, MONDO:0000902, OMIM 218000. Disease mechanism: loss of function.

Allele frequency attached by ClinVar (database versions not stated): gnomAD exomes below 0.00001; TOPMed 0.00001.
gnomAD v4.1: 2 of 1,613,580 alleles (0.00012%); highest among the groups gnomAD compares: Non-Finnish European, 0.00017%; no homozygotes.

Submissions (3):

Labcorp Genetics (formerly Invitae), Labcorp
Classification: Pathogenic. Last evaluated: 2024-05-07. Review status: criteria provided, single submitter. Criteria: Invitae Variant Classification Sherloc (09022015). Collection method: clinical testing. Allele origin: germline.
Comment: This sequence change creates a premature translational stop signal (p.Gln219*) in the SLC12A6 gene. It is expected to result in an absent or disrupted protein product. Loss-of-function variants in SLC12A6 are known to be pathogenic (PMID: 12368912, 16606917). This variant is not present in population databases (gnomAD no frequency). This variant has not been reported in the literature in individuals affected with SLC12A6-related conditions. ClinVar contains an entry for this variant (Variation ID: 370396). Algorithms developed to predict the effect of sequence changes on RNA splicing suggest that this variant may disrupt the consensus splice site. For these reasons, this variant has been classified as Pathogenic.

Fulgent Genetics
Classification: Likely pathogenic for Agenesis of the corpus callosum with peripheral neuropathy. Last evaluated: 2021-11-09. Review status: criteria provided, single submitter. Criteria: ACMG Guidelines, 2015. Collection method: clinical testing. Allele origin: unknown.

Counsyl
Classification: Likely pathogenic for Agenesis of the corpus callosum with peripheral neuropathy. Last evaluated: 2016-02-01. Review status: no assertion criteria provided. Collection method: clinical testing. Allele origin: unknown. Not counted in ClinVar's aggregate classification.

Literature cited by the submitters: PubMed 12368912 (cited by Labcorp Genetics (formerly Invitae), Labcorp); PubMed 16606917 (cited by Labcorp Genetics (formerly Invitae), Labcorp).